The following is an entry in ClinVar:

NM_001159773.2(CANT1):c.778G>A (p.Glu260Lys)

Gene: CANT1 (calcium activated nucleotidase 1; minus strand). Cytogenetic location: 17q25.3.
Variant type: single nucleotide variant.
Coding change: c.778G>A on transcript NM_001159773.2 (MANE Select); coding-DNA position 778, G replaced by A.
Protein change: p.Glu260Lys; replaces glutamic acid 260 with lysine.
Molecular consequence: missense variant.
Genome position (GRCh38, 1-based): chr17:78,995,075, C>T on the plus strand (G>A on the coding strand, the complement: CANT1 is on the minus strand). VCF-style: chr17-78995075-C-T. GRCh37 (hg19) VCF-style: chr17-76991157-C-T.
Other names: c.778G>A, p.Glu260Lys (NM_001159772.2, NM_138793.4); short protein forms E260K.
Identifiers: ClinVar variation 4761160 (VCV004761160.1).

ClinVar aggregate classification (germline): Uncertain significance (1 of 4 stars; one submission).

gnomAD v4.1: 8 of 1,607,930 alleles (0.0005%); highest among the groups gnomAD compares: African/African-American, 0.0027%; no homozygotes.

Submission:

Labcorp Genetics (formerly Invitae), Labcorp
Classification: Uncertain significance. Last evaluated: 2025-10-29. Review status: criteria provided, single submitter. Criteria: Invitae Variant Classification Sherloc (09022015). Collection method: clinical testing. Allele origin: germline.
Comment: This sequence change replaces glutamic acid, which is acidic and polar, with lysine, which is basic and polar, at codon 260 of the CANT1 protein (p.Glu260Lys). This variant is not present in population databases (gnomAD no frequency). This variant has not been reported in the literature in individuals affected with CANT1-related conditions. Invitae Evidence Modeling of protein sequence and biophysical properties (such as structural, functional, and spatial information, amino acid conservation, physicochemical variation, residue mobility, and thermodynamic stability) indicates that this missense variant is not expected to disrupt CANT1 protein function with a negative predictive value of 95%. In summary, the available evidence is currently insufficient to determine the role of this variant in disease. Therefore, it has been classified as a Variant of Uncertain Significance.